The following is an entry in ClinVar:

NM_001042681.2(RERE):c.4351C>G (p.Pro1451Ala)

Gene: RERE (arginine-glutamic acid dipeptide repeats; minus strand). Cytogenetic location: 1p36.23.
Variant type: single nucleotide variant.
Coding change: c.4351C>G on transcript NM_001042681.2 (MANE Select); coding-DNA position 4351, C replaced by G.
Protein change: p.Pro1451Ala; replaces proline 1451 with alanine.
Molecular consequence: missense variant.
Genome position (GRCh38, 1-based): chr1:8,356,235, G>C on the plus strand (C>G on the coding strand, the complement: RERE is on the minus strand). VCF-style: chr1-8356235-G-C. GRCh37 (hg19) VCF-style: chr1-8416295-G-C.
Other names: c.2689C>G, p.Pro897Ala (NM_001042682.2); c.4351C>G, p.Pro1451Ala (NM_012102.4); short protein forms P1451A, P897A.
Identifiers: ClinVar variation 4540394 (VCV004540394.1).

ClinVar aggregate classification (germline): Uncertain significance (1 of 4 stars; one submission).

Submission:

GeneDx
Classification: Uncertain significance. Last evaluated: 2025-06-24. Review status: criteria provided, single submitter. Criteria: GeneDx Variant Classification Process June 2021. Collection method: clinical testing. Allele origin: germline. Affected: yes.
Comment: Not observed at significant frequency in large population cohorts (gnomAD); In silico analysis suggests that this missense variant does not alter protein structure/function; Has not been previously published as pathogenic or benign to our knowledge